The following is an entry in ClinVar:

ClinVar aggregate classification (germline): Uncertain significance (1 of 4 stars; one submission).

Conditions:
TTN-related disorder. Also called: TTN-related disorders; TTN-related condition; TTN-related disease.

gnomAD v4.1: 6 of 1,585,150 alleles (0.00038%); highest among the groups gnomAD compares: South Asian, 0.0059%; no homozygotes.

Submission:

PreventionGenetics, part of Exact Sciences
Classification: Uncertain significance for TTN-related condition. Last evaluated: 2025-10-13. Review status: criteria provided, single submitter. Criteria: ACMG Guidelines, 2015. Collection method: clinical testing. Allele origin: germline.
Comment: The TTN c.47584C>T variant is predicted to result in the amino acid substitution p.Pro15862Ser. To our knowledge, this variant has not been reported in the literature or in a large population database (gnomAD), indicating this variant is rare. At this time, the clinical significance of this variant is uncertain due to the absence of conclusive functional and genetic evidence.

NM_001267550.2(TTN):c.47584C>T (p.Pro15862Ser)

Genes: TTN (titin; minus strand), TTN-AS1 (TTN antisense RNA 1; plus strand). Cytogenetic location: 2q31.2.
Variant type: single nucleotide variant.
Coding change: c.47584C>T on transcript NM_001267550.2 (MANE Select); coding-DNA position 47584, C replaced by T.
Protein change: p.Pro15862Ser; replaces proline 15862 with serine.
Molecular consequence: missense variant.
Genome position (GRCh38, 1-based): chr2:178,617,501, G>A on the plus strand (C>T on the coding strand, the complement: TTN is on the minus strand). VCF-style: chr2-178617501-G-A. GRCh37 (hg19) VCF-style: chr2-179482228-G-A.
Other names: c.42661C>T, p.Pro14221Ser (NM_001256850.1); c.20389C>T, p.Pro6797Ser (NM_003319.4); c.39880C>T, p.Pro13294Ser (NM_133378.4); c.20764C>T, p.Pro6922Ser (NM_133432.3); c.20965C>T, p.Pro6989Ser (NM_133437.4); short protein forms P6797S, P6989S, P15862S, P6922S, P13294S, P14221S.
Identifiers: ClinVar variation 4982900 (VCV004982900.1).